The following is an entry in ClinVar:

ClinVar aggregate classification (germline): Uncertain significance (1 of 4 stars; one submission).

Submission:

GeneDx
Classification: Uncertain significance. Last evaluated: 2026-03-11. Review status: criteria provided, single submitter. Criteria: GeneDx Variant Classification Process June 2021. Collection method: clinical testing. Allele origin: germline.
Comment: Not observed at significant frequency in large population cohorts (gnomAD); In silico analysis supports that this missense variant has a deleterious effect on protein structure/function; Has not been previously published as pathogenic or benign to our knowledge

NM_001429.4(EP300):c.3164G>C (p.Arg1055Pro)

Gene: EP300 (EP300 lysine acetyltransferase; plus strand). Cytogenetic location: 22q13.2.
Variant type: single nucleotide variant.
Coding change: c.3164G>C on transcript NM_001429.4 (MANE Select); coding-DNA position 3164, G replaced by C.
Protein change: p.Arg1055Pro; replaces arginine 1055 with proline.
Molecular consequence: missense variant.
Genome position (GRCh38, 1-based): chr22:41,155,016, G>C. VCF-style: chr22-41155016-G-C. GRCh37 (hg19) VCF-style: chr22-41551020-G-C.
Other names: c.3086G>C, p.Arg1029Pro (NM_001362843.2); short protein forms R1029P, R1055P.
Identifiers: ClinVar variation 5016930 (VCV005016930.1).
Genomic context (GRCh38, chr22:41,155,016, plus strand): 5'-AATTGGTAACTAATTTCAAATGCACTTTTTTTTTTTAAGTTTTCAAACCAGAAGAACTAC[G>C]ACAGGCACTGATGCCAACTTTGGAGGCACTTTACCGTCAGGATCCAGAATCCCTTCCCTT-3'
Protein context (NP_001420.2, residues 1045-1065): KKKIFKPEEL[Arg1055Pro]QALMPTLEAL